The following is an entry in ClinVar:

NM_001113378.2(FANCI):c.545+1G>T

Gene: FANCI (FA complementation group I; plus strand). Cytogenetic location: 15q26.1.
Variant type: single nucleotide variant.
Coding change: c.545+1G>T on transcript NM_001113378.2 (MANE Select); the canonical splice donor site of the intron after coding-DNA position 545, G replaced by T.
Molecular consequence: splice donor variant.
Genome position (GRCh38, 1-based): chr15:89,263,461, G>T. VCF-style: chr15-89263461-G-T. GRCh37 (hg19) VCF-style: chr15-89806692-G-T.
Other names: c.545+1G>T (NM_018193.3, NM_001376911.1); c.266+1G>T (NM_001376910.1).
Identifiers: ClinVar variation 3377710 (VCV003377710.1).

ClinVar aggregate classification (germline): Likely pathogenic (1 of 4 stars; one submission).

Conditions:
Fanconi anemia complementation group I (FANCI). Also called: FANCI-Related Fanconi Anemia. Identifiers: Orphanet 84, MedGen C1836861, MONDO:0012186, OMIM 609053.

Submission:

Neuberg Centre For Genomic Medicine, NCGM
Classification: Likely pathogenic for Fanconi anemia complementation group I. Last evaluated: 2023-06-22. Review status: criteria provided, single submitter. Criteria: ACMG Guidelines, 2015. Collection method: clinical testing. Allele origin: germline. Inheritance: Autosomal dominant inheritance. Affected: yes.
Comment: The observed splice donor variant c.545+1G>T in the FANCI gene has not been reported previously as a pathogenic variant nor as a benign variant, to our knowledge. This variant is absent in the gnomAD Exomes. The variant affects the GT donor splice site downstream of exon 7. Loss of function variants have been previously reported to be disease causing (Sims AE, et al., 2007). The variant is predicted to be damaging by SpliceAI prediction tool. For these reasons, this variant has been classified as Likely Pathogenic. In the absence of another reportable variant, the molecular diagnosis is not confirmed.